The following is an entry in ClinVar:

NM_000138.5(FBN1):c.5920A>G (p.Ile1974Val)

Gene: FBN1 (fibrillin 1; minus strand). Cytogenetic location: 15q21.1.
Variant type: single nucleotide variant.
Coding change: c.5920A>G on transcript NM_000138.5 (MANE Select); coding-DNA position 5920, A replaced by G.
Protein change: p.Ile1974Val; replaces isoleucine 1974 with valine.
Molecular consequence: missense variant.
Genome position (GRCh38, 1-based): chr15:48,444,658, T>C on the plus strand (A>G on the coding strand, the complement: FBN1 is on the minus strand). VCF-style: chr15-48444658-T-C. GRCh37 (hg19) VCF-style: chr15-48736855-T-C.
Other names: c.5920A>G, p.Ile1974Val (NM_001406716.1); short protein forms I1974V.
Identifiers: ClinVar variation 3756857 (VCV003756857.3).

ClinVar aggregate classification (germline): Uncertain significance. Review status: criteria provided, multiple submitters, no conflicts (2 of 4 stars). 2 submissions from 2 submitters: Uncertain significance (2). Last evaluated 2025-05-12.

Conditions:
Familial thoracic aortic aneurysm and aortic dissection (TAAD). Also called: Thoracic aortic aneurysms and dissections. Identifiers: Orphanet 91387, MedGen C4707243, MONDO:0019625.
Marfan syndrome (MFS). Also called: MARFAN SYNDROME, TYPE I; Marfan syndrome type 1; Marfan's syndrome; Marfan syndrome, classic; FBN1-Related Marfan Syndrome. Identifiers: Orphanet 284963, Orphanet 558, MedGen C0024796, MONDO:0007947, OMIM 154700.

Submissions (2):

Color Diagnostics, LLC DBA Color Health
Classification: Uncertain significance for Familial thoracic aortic aneurysm and aortic dissection. Last evaluated: 2025-05-12. Review status: criteria provided, single submitter. Criteria: ACMG Guidelines, 2015. Collection method: clinical testing. Allele origin: germline.
Comment: This missense variant replaces isoleucine with valine at codon 1974 of the FBN1 protein. Computational prediction suggests that this variant may not impact protein structure and function. To our knowledge, functional studies have not been reported for this variant. This variant has not been reported in individuals affected with FBN1-related disorders in the literature. This variant has not been identified in the general population by the Genome Aggregation Database (gnomAD). The available evidence is insufficient to determine the role of this variant in disease conclusively. Therefore, this variant is classified as a Variant of Uncertain Significance.

Labcorp Genetics (formerly Invitae), Labcorp
Classification: Uncertain significance for Marfan syndrome; Familial thoracic aortic aneurysm and aortic dissection. Last evaluated: 2024-06-17. Review status: criteria provided, single submitter. Criteria: Invitae Variant Classification Sherloc (09022015). Collection method: clinical testing. Allele origin: germline.
Comment: This sequence change replaces isoleucine, which is neutral and non-polar, with valine, which is neutral and non-polar, at codon 1974 of the FBN1 protein (p.Ile1974Val). This variant is not present in population databases (gnomAD no frequency). This variant has not been reported in the literature in individuals affected with FBN1-related conditions. Algorithms developed to predict the effect of missense changes on protein structure and function output the following: SIFT: "Not Available"; PolyPhen-2: "Benign"; Align-GVGD: "Not Available". The valine amino acid residue is found in multiple mammalian species, which suggests that this missense change does not adversely affect protein function. In summary, the available evidence is currently insufficient to determine the role of this variant in disease. Therefore, it has been classified as a Variant of Uncertain Significance.